The following is an entry in ClinVar:

ClinVar aggregate classification (germline): Pathogenic (1 of 4 stars; one submission).

Conditions:
Neurodevelopmental disorder with or without hyperkinetic movements and seizures, autosomal dominant. Also called: Intellectual disability, autosomal dominant 8. Identifiers: MedGen C3280282, MONDO:0013655, OMIM 614254.

Submissions (2):

Cytogénomique, Hospices Civils de Lyon
Classification: Pathogenic for Neurodevelopmental disorder with or without hyperkinetic movements and seizures, autosomal dominant. Review status: criteria provided, single submitter. Criteria: ACMG Guidelines, 2015. Collection method: clinical testing. Allele origin: de novo. Inheritance: Autosomal dominant inheritance. Affected: yes.

Institute of experimental medicine CAS – Neurochemistry department., Institute of Experimental Medicine, Czech Academy of Science
No classification provided (evidence only). Review status: no classification provided. Collection method: in vitro. Allele origin: not applicable. Functional consequence: Unknown function. Not counted in ClinVar's aggregate classification.
Comment: The A645S variant has been identified in patients with sever intellectual disability, cortical visual impairment, seizures (Lemke et al., 2016, PMID: 27164704)

"not provided" was previously submitted as the classification for the variant. It was converted to no classification on 2025-07-30.

NM_007327.4(GRIN1):c.1933G>T (p.Ala645Ser)

Gene: GRIN1 (glutamate ionotropic receptor NMDA type subunit 1; plus strand). Cytogenetic location: 9q34.3.
Variant type: single nucleotide variant.
Coding change: c.1933G>T on transcript NM_007327.4 (MANE Select); coding-DNA position 1933, G replaced by T.
Protein change: p.Ala645Ser; replaces alanine 645 with serine.
Molecular consequence: missense variant.
Genome position (GRCh38, 1-based): chr9:137,162,659, G>T. VCF-style: chr9-137162659-G-T. GRCh37 (hg19) VCF-style: chr9-140057111-G-T.
Other names: c.1933G>T, p.Ala645Ser (NM_000832.7, NM_021569.4); c.1996G>T, p.Ala666Ser (NM_001185090.2, NM_001185091.2); short protein forms A645S, A666S.
Identifiers: ClinVar variation 917873 (VCV000917873.4), dbSNP rs1833621434, ClinGen allele CA375720763.